The following is an entry in ClinVar:

ClinVar aggregate classification (germline): Likely pathogenic (1 of 4 stars; one submission).

Conditions:
Duchenne muscular dystrophy (DMD). Also called: MUSCULAR DYSTROPHY, PSEUDOHYPERTROPHIC PROGRESSIVE, DUCHENNE TYPE; Duchenne Muscular Dystrophy (DMD). Identifiers: Orphanet 98896, MedGen C0013264, MONDO:0010679, OMIM 310200.

Submission:

Laboratory of Medical Genetics, National & Kapodistrian University of Athens
Classification: Likely pathogenic for Duchenne muscular dystrophy. Last evaluated: 2022-12-16. Review status: criteria provided, single submitter. Criteria: ACMG Guidelines, 2015. Collection method: clinical testing. Allele origin: germline. Affected: yes.
Comment: PVS1, PM2

NM_004006.3(DMD):c.3400del (p.Asn1135fs)

Gene: DMD (dystrophin; minus strand). Cytogenetic location: Xp21.1.
Variant type: Deletion.
Coding change: c.3400del on transcript NM_004006.3 (MANE Select); coding-DNA position 3400, one base deleted (C; older notation c.3400delC).
Protein change: p.Asn1135fs; shifts the reading frame from asparagine 1135.
Molecular consequence: frameshift variant.
Genome position (GRCh38, 1-based): chrX:32,463,471, G deleted on the plus strand (C on the coding strand, the reverse complement: DMD is on the minus strand). VCF-style (leftmost placement, unchanged base first): chrX-32463470-AG-A. GRCh37 (hg19) VCF-style: chrX-32481587-AG-A.
Other names: c.3376del, p.Asn1127fs (NM_000109.4); c.3388del, p.Asn1131fs (NM_004009.3); c.3031del, p.Asn1012fs (NM_004010.3); short protein forms N1012fs, N1127fs, N1131fs, N1135fs.
Identifiers: ClinVar variation 1806413 (VCV001806413.1), dbSNP rs2524513732, ClinGen allele CA2580100668.